The following is an entry in ClinVar:

ClinVar aggregate classification (germline): Uncertain significance (1 of 4 stars; one submission).

Conditions:
Arrhythmogenic right ventricular dysplasia 12. Also called: ARRHYTHMOGENIC RIGHT VENTRICULAR DYSPLASIA, FAMILIAL, 12. Identifiers: MedGen C1969081, MONDO:0012684, OMIM 611528.
Naxos disease (NXD). Also called: CARDIOMYOPATHY, ARRHYTHMOGENIC RIGHT VENTRICULAR, WITH SKIN, HAIR, AND NAIL ABNORMALITIES; KERATOSIS PALMOPLANTARIS WITH ARRHYTHMOGENIC CARDIOMYOPATHY; MAL DE NAXOS; PALMOPLANTAR KERATODERMA WITH ARRHYTHMOGENIC RIGHT VENTRICULAR CARDIOMYOPATHY AND WOOLLY HAIR; WOOLLY HAIR, PALMOPLANTAR KERATODERMA, AND CARDIAC ABNORMALITIES. Identifiers: Orphanet 34217, MedGen C1832600, MONDO:0011017, OMIM 601214.

Submission:

Labcorp Genetics (formerly Invitae), Labcorp
Classification: Uncertain significance for Arrhythmogenic right ventricular dysplasia 12; Naxos disease. Last evaluated: 2025-06-29. Review status: criteria provided, single submitter. Criteria: Invitae Variant Classification Sherloc (09022015). Collection method: clinical testing. Allele origin: germline.
Comment: This sequence change replaces histidine, which is basic and polar, with arginine, which is basic and polar, at codon 27 of the JUP protein (p.His27Arg). This variant is not present in population databases (gnomAD no frequency). This variant has not been reported in the literature in individuals affected with JUP-related conditions. An algorithm developed to predict the effect of missense changes on protein structure and function (PolyPhen-2) suggests that this variant is likely to be tolerated. In summary, the available evidence is currently insufficient to determine the role of this variant in disease. Therefore, it has been classified as a Variant of Uncertain Significance.

NM_002230.4(JUP):c.80A>G (p.His27Arg)

Gene: JUP (junction plakoglobin; minus strand). Cytogenetic location: 17q21.2.
Variant type: single nucleotide variant.
Coding change: c.80A>G on transcript NM_002230.4 (MANE Select); coding-DNA position 80, A replaced by G.
Protein change: p.His27Arg; replaces histidine 27 with arginine.
Molecular consequence: missense variant.
Genome position (GRCh38, 1-based): chr17:41,771,775, T>C on the plus strand (A>G on the coding strand, the complement: JUP is on the minus strand). VCF-style: chr17-41771775-T-C. GRCh37 (hg19) VCF-style: chr17-39928027-T-C.
Other names: c.80A>G, p.His27Arg (NM_001352773.2, NM_001352774.2, NM_001352775.2 and 3 more transcripts); short protein forms H27R.
Identifiers: ClinVar variation 4790155 (VCV004790155.1).